The following is an entry in ClinVar:

NM_001399.5(EDA):c.853A>G (p.Lys285Glu)

Gene: EDA (ectodysplasin A; plus strand). Cytogenetic location: Xq13.1.
Variant type: single nucleotide variant.
Coding change: c.853A>G on transcript NM_001399.5 (MANE Select); coding-DNA position 853, A replaced by G.
Protein change: p.Lys285Glu; replaces lysine 285 with glutamic acid.
Molecular consequence: missense variant.
Genome position (GRCh38, 1-based): chrX:70,033,457, A>G. VCF-style: chrX-70033457-A-G. GRCh37 (hg19) VCF-style: chrX-69253307-A-G.
Other names: c.853A>G, p.Lys285Glu (NM_001005609.2); c.844A>G, p.Lys282Glu (NM_001005612.3); short protein forms K285E, K282E.
Identifiers: ClinVar variation 528358 (VCV000528358.8), dbSNP rs1556106974, ClinGen allele CA413448885.

ClinVar aggregate classification (germline): Uncertain significance (1 of 4 stars; one submission).

Conditions:
Hypohidrotic X-linked ectodermal dysplasia (XHED). Also called: ECTODERMAL DYSPLASIA, HYPOHIDROTIC, 1; CST SYNDROME; ECTODERMAL DYSPLASIA 1; Ectodermal Dysplasia 1, Anhidrotic; Christ-Siemans-Touraine syndrome; Anhidrotic ectodermal dysplasia X-linked. Identifiers: Orphanet 181, Orphanet 238468, MedGen C0162359, MONDO:0010585, OMIM 305100.

Submission:

Labcorp Genetics (formerly Invitae), Labcorp
Classification: Uncertain significance for Hypohidrotic X-linked ectodermal dysplasia. Last evaluated: 2017-08-06. Review status: criteria provided, single submitter. Criteria: Invitae Variant Classification Sherloc (09022015). Collection method: clinical testing. Allele origin: germline.
Comment: This variant is not present in population databases (ExAC no frequency). In summary, the available evidence is currently insufficient to determine the role of this variant in disease. Therefore, it has been classified as a Variant of Uncertain Significance. Algorithms developed to predict the effect of missense changes on protein structure and function (SIFT, PolyPhen-2, Align-GVGD) all suggest that this variant is likely to be disruptive, but these predictions have not been confirmed by published functional studies and their clinical significance is uncertain. This variant has not been reported in the literature in individuals with EDA-related disease. This sequence change replaces lysine with glutamic acid at codon 285 of the EDA protein (p.Lys285Glu). The lysine residue is highly conserved and there is a small physicochemical difference between lysine and glutamic acid.